The following is an entry in ClinVar:

ClinVar aggregate classification (germline): Uncertain significance (1 of 4 stars; one submission).

Allele frequency attached by ClinVar (database versions not stated): gnomAD exomes 0.00001.
gnomAD v4.1: 7 of 1,550,416 alleles (0.00045%); highest among the groups gnomAD compares: Admixed American, 0.0059%; no homozygotes.

Submission:

GeneDx
Classification: Uncertain significance. Last evaluated: 2019-09-12. Review status: criteria provided, single submitter. Criteria: GeneDx Variant Classification Process June 2021. Collection method: clinical testing. Allele origin: germline. Affected: yes.
Comment: Not observed at a significant frequency in large population cohorts (Lek et al., 2016); In silico analysis, which includes protein predictors and evolutionary conservation, supports a deleterious effect; Has not been previously published as pathogenic or benign to our knowledge

NM_001145026.2(PTPRQ):c.6245C>T (p.Thr2082Ile)

Gene: PTPRQ (protein tyrosine phosphatase receptor type Q; plus strand). Cytogenetic location: 12q21.31.
Variant type: single nucleotide variant.
Coding change: c.6245C>T on transcript NM_001145026.2 (MANE Select); coding-DNA position 6245, C replaced by T.
Protein change: p.Thr2082Ile; replaces threonine 2082 with isoleucine.
Molecular consequence: missense variant.
Genome position (GRCh38, 1-based): chr12:80,669,059, C>T. VCF-style: chr12-80669059-C-T. GRCh37 (hg19) VCF-style: chr12-81062838-C-T.
Other names: short protein forms T2082I.
Identifiers: ClinVar variation 1303492 (VCV001303492.2), dbSNP rs986995950, ClinGen allele CA240619012.